The following is an entry in ClinVar:

NM_032043.3(BRIP1):c.2257+10A>C

Gene: BRIP1 (BRCA1 interacting DNA helicase 1; minus strand). Cytogenetic location: 17q23.2.
Variant type: single nucleotide variant.
Coding change: c.2257+10A>C on transcript NM_032043.3 (MANE Select); 10 bases into the intron after coding-DNA position 2257, A replaced by C.
Molecular consequence: intron variant.
Genome position (GRCh38, 1-based): chr17:61,744,422, T>G on the plus strand (A>C on the coding strand, the complement: BRIP1 is on the minus strand). VCF-style: chr17-61744422-T-G. GRCh37 (hg19) VCF-style: chr17-59821783-T-G.
Identifiers: ClinVar variation 3378689 (VCV003378689.1).

ClinVar aggregate classification (germline): Likely benign (1 of 4 stars; one submission).

Conditions:
Familial cancer of breast. Also called: hereditary breast carcinoma; Hereditary breast cancer; BREAST CANCER, FAMILIAL. Identifiers: Orphanet 227535, MedGen C0346153, MONDO:0016419, OMIM 114480. Disease mechanism: loss of function.

gnomAD v4.1: 3 of 1,612,382 alleles (0.00019%); highest among the groups gnomAD compares: South Asian, 0.0022%; no homozygotes.

Submission:

Myriad Genetics, Inc.
Classification: Likely benign for Familial cancer of breast. Last evaluated: 2024-09-03. Review status: criteria provided, single submitter. Criteria: Myriad Autosomal Dominant, Autosomal Recessive and X-Linked Classification Criteria (2023). Collection method: clinical testing. Allele origin: unknown.
Comment: This variant is considered likely benign. This variant is intronic and is not expected to impact mRNA splicing.